The following is an entry in ClinVar:

ClinVar aggregate classification (germline): Uncertain significance (1 of 4 stars; one submission).

Conditions:
Dilated cardiomyopathy 1JJ (CMD1JJ). Identifiers: Orphanet 154, MedGen C3808935, MONDO:0014095, OMIM 615235.

Submission:

Labcorp Genetics (formerly Invitae), Labcorp
Classification: Uncertain significance for Dilated cardiomyopathy 1JJ. Last evaluated: 2025-10-02. Review status: criteria provided, single submitter. Criteria: Invitae Variant Classification Sherloc (09022015). Collection method: clinical testing. Allele origin: germline.
Comment: This sequence change replaces aspartic acid, which is acidic and polar, with tyrosine, which is neutral and polar, at codon 386 of the LAMA4 protein (p.Asp386Tyr). This variant is not present in population databases (gnomAD no frequency). This variant has not been reported in the literature in individuals affected with LAMA4-related conditions. ClinVar contains an entry for this variant (Variation ID: 2812858). Invitae Evidence Modeling of protein sequence and biophysical properties (such as structural, functional, and spatial information, amino acid conservation, physicochemical variation, residue mobility, and thermodynamic stability) indicates that this missense variant is not expected to disrupt LAMA4 protein function with a negative predictive value of 80%. Algorithms developed to predict the effect of sequence changes on RNA splicing suggest that this variant may create or strengthen a splice site. In summary, the available evidence is currently insufficient to determine the role of this variant in disease. Therefore, it has been classified as a Variant of Uncertain Significance.

NM_001105206.3(LAMA4):c.1177G>T (p.Asp393Tyr)

Gene: LAMA4 (laminin subunit alpha 4; minus strand). Cytogenetic location: 6q21.
Variant type: single nucleotide variant.
Coding change: c.1177G>T on transcript NM_001105206.3 (MANE Select); coding-DNA position 1177, G replaced by T.
Protein change: p.Asp393Tyr; replaces aspartic acid 393 with tyrosine.
Molecular consequence: missense variant.
Genome position (GRCh38, 1-based): chr6:112,178,133, C>A on the plus strand (G>T on the coding strand, the complement: LAMA4 is on the minus strand). VCF-style: chr6-112178133-C-A. GRCh37 (hg19) VCF-style: chr6-112499335-C-A.
Other names: c.1156G>T, p.Asp386Tyr (NM_001105207.3, NM_002290.5); short protein forms D393Y, D386Y.
Identifiers: ClinVar variation 2812858 (VCV002812858.3), dbSNP rs1782130087, ClinGen allele CA365372853.